The following is an entry in ClinVar:

NM_000551.4(VHL):c.111G>C (p.Glu37Asp)

Gene: VHL (von Hippel-Lindau tumor suppressor; plus strand). Cytogenetic location: 3p25.3.
Variant type: single nucleotide variant.
Coding change: c.111G>C on transcript NM_000551.4 (MANE Select); coding-DNA position 111, G replaced by C.
Protein change: p.Glu37Asp; replaces glutamic acid 37 with aspartic acid.
Molecular consequence: missense variant.
Genome position (GRCh38, 1-based): chr3:10,141,958, G>C. VCF-style: chr3-10141958-G-C. GRCh37 (hg19) VCF-style: chr3-10183642-G-C.
Other names: c.111G>C, p.Glu37Asp (NM_001354723.2, NM_198156.3); short protein forms E37D.
Identifiers: ClinVar variation 1303980 (VCV001303980.10), dbSNP rs1398333169, ClinGen allele CA351747799.
Genomic context (GRCh38, chr3:10,141,958, plus strand): 5'-GGCAGGCGTCGAAGAGTACGGCCCTGAAGAAGACGGCGGGGAGGAGTCGGGCGCCGAGGA[G>C]TCCGGCCCGGAAGAGTCCGGCCCGGAGGAACTGGGCGCCGAGGAGGAGATGGAGGCCGGG-3'
Protein context (NP_000542.1, residues 27-47): EDGGEESGAE[Glu37Asp]SGPEESGPEE

ClinVar aggregate classification (germline): Conflicting classifications of pathogenicity. Review status: criteria provided, conflicting classifications (1 of 4 stars). 3 submissions from 3 submitters: Uncertain significance (2); Benign (1). Last evaluated 2025-09-11.

Conditions:
Von Hippel-Lindau syndrome (VHLS). Also called: von Hippel–Lindau syndrome; Von Hippel-Lindau; VHL syndrome. Identifiers: Orphanet 892, MedGen C0019562, MONDO:0008667, OMIM 193300. Disease mechanism: loss of function.
Chuvash polycythemia. Also called: POLYCYTHEMIA, VHL-DEPENDENT. Identifiers: Orphanet 238557, MedGen C1837915, MONDO:0009892, OMIM 263400.
Hereditary cancer-predisposing syndrome. Also called: Neoplastic Syndromes, Hereditary; Hereditary Cancer Syndrome; Tumor predisposition; Hereditary neoplastic syndrome. Identifiers: Orphanet 140162, MedGen C0027672, MeSH D009386, MONDO:0015356.

Allele frequency attached by ClinVar (database versions not stated): gnomAD exomes below 0.00001 and 0.00001.
gnomAD v4.1: 5 of 1,548,648 alleles (0.00032%); highest among the groups gnomAD compares: South Asian, 0.0059%; no homozygotes.

Submissions (3):

Ambry Genetics
Classification: Benign for Hereditary cancer-predisposing syndrome. Last evaluated: 2025-09-11. Review status: criteria provided, single submitter. Criteria: Ambry Variant Classification Scheme 2023. Collection method: clinical testing. Allele origin: germline.

Labcorp Genetics (formerly Invitae), Labcorp
Classification: Uncertain significance for Von Hippel-Lindau syndrome; Chuvash polycythemia. Last evaluated: 2024-02-12. Review status: criteria provided, single submitter. Criteria: Invitae Variant Classification Sherloc (09022015). Collection method: clinical testing. Allele origin: germline.
Comment: This sequence change replaces glutamic acid, which is acidic and polar, with aspartic acid, which is acidic and polar, at codon 37 of the VHL protein (p.Glu37Asp). The frequency data for this variant in the population databases is considered unreliable, as metrics indicate poor data quality at this position in the gnomAD database. This variant has not been reported in the literature in individuals affected with VHL-related conditions. ClinVar contains an entry for this variant (Variation ID: 1303980). Advanced modeling of protein sequence and biophysical properties (such as structural, functional, and spatial information, amino acid conservation, physicochemical variation, residue mobility, and thermodynamic stability) performed at Invitae indicates that this missense variant is not expected to disrupt VHL protein function with a negative predictive value of 95%. In summary, the available evidence is currently insufficient to determine the role of this variant in disease. Therefore, it has been classified as a Variant of Uncertain Significance.

GeneDx
Classification: Uncertain significance. Last evaluated: 2021-04-27. Review status: criteria provided, single submitter. Criteria: GeneDx Variant Classification Process June 2021. Collection method: clinical testing. Allele origin: germline. Affected: yes.
Comment: In silico analysis supports that this missense variant does not alter protein structure/function; Has not been previously published as pathogenic or benign to our knowledge